The following is an entry in ClinVar:

NM_030782.5(CLPTM1L):c.1092G>C (p.Val364=)

Gene: CLPTM1L (CLPTM1 like). Cytogenetic location: 5p15.33.
Variant type: single nucleotide variant.
Coding change: c.1092G>C on transcript NM_030782.5 (MANE Select); coding-DNA position 1092, G replaced by C.
Protein change: p.Val364=; no amino-acid change (valine 364 retained).
Molecular consequence: synonymous variant.
Genome position (GRCh38, 1-based): chr5:1,325,805, C>G on the plus strand (G>C on the coding strand, the complement: CLPTM1L is on the minus strand). VCF-style: chr5-1325805-C-G. GRCh37 (hg19) VCF-style: chr5-1325920-C-G.
Identifiers: ClinVar variation 3036430 (VCV003036430.2), dbSNP rs781774544, ClinGen allele CA443015269.

ClinVar aggregate classification (germline): Likely benign (0 of 4 stars; one submission).

Conditions:
CLPTM1L-related disorder. Also called: CLPTM1L-related condition.

Allele frequency attached by ClinVar (database versions not stated): TOPMed 0.00001.

Submission:

PreventionGenetics, part of Exact Sciences
Classification: Likely benign for CLPTM1L-related condition. Last evaluated: 2019-12-26. Review status: no assertion criteria provided. Collection method: clinical testing. Allele origin: germline.
Comment: This variant is classified as likely benign based on ACMG/AMP sequence variant interpretation guidelines (Richards et al. 2015 PMID: 25741868, with internal and published modifications).